The following is an entry in ClinVar:

ClinVar aggregate classification (germline): Uncertain significance. Review status: criteria provided, multiple submitters, no conflicts (2 of 4 stars). 2 submissions from 2 submitters: Uncertain significance (2). Last evaluated 2025-08-07.

Conditions:
Inborn genetic diseases. Identifiers: MedGen C0950123, MeSH D030342.

Allele frequency attached by ClinVar (database versions not stated): TOPMed 0.00001; ExAC 0.00002.
gnomAD v4.1: 5 of 1,614,052 alleles (0.00031%); highest among the groups gnomAD compares: South Asian, 0.0011%; no homozygotes.

Submissions (2):

Ambry Genetics
Classification: Uncertain significance for Inborn genetic diseases. Last evaluated: 2025-08-07. Review status: criteria provided, single submitter. Criteria: Ambry Variant Classification Scheme 2023. Collection method: clinical testing. Allele origin: germline.

Labcorp Genetics (formerly Invitae), Labcorp
Classification: Uncertain significance. Last evaluated: 2024-06-20. Review status: criteria provided, single submitter. Criteria: Invitae Variant Classification Sherloc (09022015). Collection method: clinical testing. Allele origin: germline.
Comment: This sequence change replaces serine, which is neutral and polar, with cysteine, which is neutral and slightly polar, at codon 441 of the ATR protein (p.Ser441Cys). This variant is present in population databases (rs770059434, gnomAD 0.003%). This variant has not been reported in the literature in individuals affected with ATR-related conditions. ClinVar contains an entry for this variant (Variation ID: 1769933). An algorithm developed to predict the effect of missense changes on protein structure and function (PolyPhen-2) suggests that this variant is likely to be tolerated. In summary, the available evidence is currently insufficient to determine the role of this variant in disease. Therefore, it has been classified as a Variant of Uncertain Significance.

NM_001184.4(ATR):c.1322C>G (p.Ser441Cys)

Gene: ATR (ATR checkpoint kinase; minus strand). Cytogenetic location: 3q23.
Variant type: single nucleotide variant.
Coding change: c.1322C>G on transcript NM_001184.4 (MANE Select); coding-DNA position 1322, C replaced by G.
Protein change: p.Ser441Cys; replaces serine 441 with cysteine.
Molecular consequence: missense variant.
Genome position (GRCh38, 1-based): chr3:142,561,270, G>C on the plus strand (C>G on the coding strand, the complement: ATR is on the minus strand). VCF-style: chr3-142561270-G-C. GRCh37 (hg19) VCF-style: chr3-142280112-G-C.
Other names: c.1322C>G, p.Ser441Cys (NM_001354579.2); short protein forms S441C.
Identifiers: ClinVar variation 1769933 (VCV001769933.6), dbSNP rs770059434, ClinGen allele CA2650629.